The following is an entry in ClinVar:

ClinVar aggregate classification (germline): Conflicting classifications of pathogenicity. Review status: criteria provided, conflicting classifications (1 of 4 stars). 4 submissions from 4 submitters: Uncertain significance (2); Likely benign (2). Last evaluated 2025-12-29.

Conditions:
Muscular dystrophy-dystroglycanopathy (congenital with brain and eye anomalies), type A2. Also called: WALKER-WARBURG SYNDROME OR MUSCLE-EYE-BRAIN DISEASE, POMT2-RELATED; MUSCULAR DYSTROPHY-DYSTROGLYCANOPATHY (CONGENITAL WITH BRAIN AND EYE ANOMALIES), TYPE A, 2. Identifiers: Orphanet 588, Orphanet 899, MedGen C3150411, MONDO:0013154, OMIM 613150.
Muscular dystrophy-dystroglycanopathy (congenital with impaired intellectual development), type B, 2. Also called: Muscular dystrophy-dystroglycanopathy (congenital with intellectual disability), type B2; MUSCULAR DYSTROPHY, CONGENITAL, POMT2-RELATED. Identifiers: MedGen C3150416, MONDO:0013160, OMIM 613156.
Autosomal recessive limb-girdle muscular dystrophy type 2N. Also called: MUSCULAR DYSTROPHY-DYSTROGLYCANOPATHY, LIMB-GIRDLE, POMT2-RELATED; Muscular dystrophy-dystroglycanopathy (limb-girdle), type C, 2. Identifiers: Orphanet 206559, MedGen C3150418, MONDO:0013162, OMIM 613158.

Allele frequency attached by ClinVar (database versions not stated): gnomAD 0.00002 and 0.00003; TOPMed 0.00005; gnomAD exomes 0.00003 and 0.00002; ExAC 0.00004.
gnomAD v4.1: 33 of 1,614,076 alleles (0.002%); highest among the groups gnomAD compares: Non-Finnish European, 0.0025%; no homozygotes.

Submissions (4):

Labcorp Genetics (formerly Invitae), Labcorp
Classification: Likely benign for Muscular dystrophy-dystroglycanopathy (congenital with impaired intellectual development), type B, 2; Muscular dystrophy-dystroglycanopathy (congenital with brain and eye anomalies), type A2; Autosomal recessive limb-girdle muscular dystrophy type 2N. Last evaluated: 2025-12-29. Review status: criteria provided, single submitter. Criteria: Invitae Variant Classification Sherloc (09022015). Collection method: clinical testing. Allele origin: germline.

Athena Diagnostics
Classification: Uncertain significance. Last evaluated: 2018-01-24. Review status: criteria provided, single submitter. Criteria: Athena Diagnostics Criteria. Collection method: clinical testing. Allele origin: germline.

Eurofins Ntd Llc (ga)
Classification: Uncertain significance. Last evaluated: 2017-11-14. Review status: criteria provided, single submitter. Criteria: EGL Classification Definitions 2015. Collection method: clinical testing. Allele origin: germline. Observed: 4 variant alleles, 4 heterozygotes.

GeneDx
Classification: Likely benign. Last evaluated: 2016-11-23. Review status: criteria provided, single submitter. Criteria: GeneDx Variant Classification (06012015). Collection method: clinical testing. Allele origin: germline. Affected: yes.
Comment: This variant is considered likely benign or benign based on one or more of the following criteria: it is a conservative change, it occurs at a poorly conserved position in the protein, it is predicted to be benign by multiple in silico algorithms, and/or has population frequency not consistent with disease.

NM_013382.7(POMT2):c.1654-8T>G

Gene: POMT2 (protein O-mannosyltransferase 2; minus strand). Cytogenetic location: 14q24.3.
Variant type: single nucleotide variant.
Coding change: c.1654-8T>G on transcript NM_013382.7 (MANE Select); 8 bases into the intron before coding-DNA position 1654, T replaced by G.
Molecular consequence: intron variant.
Genome position (GRCh38, 1-based): chr14:77,280,471, A>C on the plus strand (T>G on the coding strand, the complement: POMT2 is on the minus strand). VCF-style: chr14-77280471-A-C. GRCh37 (hg19) VCF-style: chr14-77746814-A-C.
Identifiers: ClinVar variation 283033 (VCV000283033.13), dbSNP rs780532724, ClinGen allele CA7285766.